The following is an entry in ClinVar:

NM_025074.7(FRAS1):c.9725G>A (p.Arg3242Gln)

Gene: FRAS1 (Fraser extracellular matrix complex subunit 1; plus strand). Cytogenetic location: 4q21.21.
Variant type: single nucleotide variant.
Coding change: c.9725G>A on transcript NM_025074.7 (MANE Select); coding-DNA position 9725, G replaced by A.
Protein change: p.Arg3242Gln; replaces arginine 3242 with glutamine.
Molecular consequence: missense variant.
Genome position (GRCh38, 1-based): chr4:78,508,951, G>A. VCF-style: chr4-78508951-G-A. GRCh37 (hg19) VCF-style: chr4-79430105-G-A.
Other names: short protein forms R3242Q.
Identifiers: ClinVar variation 1391333 (VCV001391333.3), dbSNP rs185488591, ClinGen allele CA2978739.

ClinVar aggregate classification (germline): Uncertain significance (1 of 4 stars; one submission).

Allele frequency attached by ClinVar (database versions not stated): 1000 Genomes Project 0.00020; 1000 Genomes Project 30x 0.00031.
gnomAD v4.1: 41 of 1,613,916 alleles (0.0025%); highest among the groups gnomAD compares: African/African-American, 0.0093%; no homozygotes.

Submission:

Labcorp Genetics (formerly Invitae), Labcorp
Classification: Uncertain significance. Last evaluated: 2022-01-07. Review status: criteria provided, single submitter. Criteria: Invitae Variant Classification Sherloc (09022015). Collection method: clinical testing. Allele origin: germline.
Comment: This sequence change replaces arginine, which is basic and polar, with glutamine, which is neutral and polar, at codon 3242 of the FRAS1 protein (p.Arg3242Gln). The frequency data for this variant in the population databases is considered unreliable, as metrics indicate poor data quality at this position in the gnomAD database. This variant has not been reported in the literature in individuals affected with FRAS1-related conditions. Algorithms developed to predict the effect of missense changes on protein structure and function are either unavailable or do not agree on the potential impact of this missense change (SIFT: "Deleterious"; PolyPhen-2: "Probably Damaging"; Align-GVGD: "Class C0"). In summary, the available evidence is currently insufficient to determine the role of this variant in disease. Therefore, it has been classified as a Variant of Uncertain Significance.